The following is an entry in ClinVar:

NM_177965.4(CFAP418):c.104del (p.Gly35fs)

Genes: CFAP418 (cilia and flagella associated protein 418; minus strand), CFAP418-AS1 (CFAP418 antisense RNA 1; plus strand), LOC130000784 (ATAC-STARR-seq lymphoblastoid active region 27655; plus strand). Cytogenetic location: 8q22.1.
Variant type: Deletion.
Coding change: c.104del on transcript NM_177965.4 (MANE Select); coding-DNA position 104, one base deleted (G; older notation c.104delG).
Protein change: p.Gly35fs; shifts the reading frame from glycine 35.
Molecular consequence: frameshift variant.
Genome position (GRCh38, 1-based): chr8:95,269,086, C deleted on the plus strand (G on the coding strand, the reverse complement: CFAP418 is on the minus strand); the first of 2 consecutive C bases (chr8:95,269,086-95,269,087); deleting either gives the same sequence. VCF-style (leftmost placement, unchanged base first): chr8-95269085-GC-G. GRCh37 (hg19) VCF-style: chr8-96281313-GC-G.
Other names: c.104del, p.Gly35fs (NM_001363260.1); short protein forms G35fs.
Identifiers: ClinVar variation 1681150 (VCV001681150.6), dbSNP rs1402571742, ClinGen allele CA857177431.
Genomic context (GRCh38, chr8:95,269,085, plus strand): 5'-CCCGGTTAACCTGAGCGTCTCTTTCGCCTTGGCTTGGTTCCGGTCGCTACTGTGGGTGCC[GC>G]CGCCGCAGCCTTTGGGCTGCTCGACCATACCCCGTCTTAGAAGGTCAGGTGTGCAAAACT-3'

ClinVar aggregate classification (germline): Pathogenic (1 of 4 stars; one submission).

Submission:

Labcorp Genetics (formerly Invitae), Labcorp
Classification: Pathogenic. Last evaluated: 2021-03-10. Review status: criteria provided, single submitter. Criteria: Invitae Variant Classification Sherloc (09022015). Collection method: clinical testing. Allele origin: germline.
Comment: This sequence change creates a premature translational stop signal (p.Gly35Alafs*49) in the C8orf37 gene. It is expected to result in an absent or disrupted protein product. Loss-of-function variants in C8orf37 are known to be pathogenic (PMID: 22177090, 25802487, 26865426). This variant is not present in population databases (ExAC no frequency). This variant has not been reported in the literature in individuals with C8orf37-related conditions. For these reasons, this variant has been classified as Pathogenic.

Literature cited by the submitters: PubMed 22177090; PubMed 25802487; PubMed 26865426.